The following is an entry in ClinVar:

ClinVar aggregate classification (germline): Uncertain significance. Review status: criteria provided, multiple submitters, no conflicts (2 of 4 stars). 2 submissions from 2 submitters: Uncertain significance (2). Last evaluated 2025-03-14.

Conditions:
Inborn genetic diseases. Identifiers: MedGen C0950123, MeSH D030342.
Compton-North congenital myopathy (CMYO12). Identifiers: Orphanet 210163, MedGen C2675527, MONDO:0012929, OMIM 612540.

Allele frequency attached by ClinVar (database versions not stated): gnomAD 0.00001; gnomAD exomes 0.00002 and 0.00005; ExAC 0.00004.
gnomAD v4.1: 36 of 1,613,764 alleles (0.0022%); highest among the groups gnomAD compares: Admixed American, 0.005%; no homozygotes.

Submissions (2):

Labcorp Genetics (formerly Invitae), Labcorp
Classification: Uncertain significance for Compton-North congenital myopathy. Last evaluated: 2025-03-14. Review status: criteria provided, single submitter. Criteria: Invitae Variant Classification Sherloc (09022015). Collection method: clinical testing. Allele origin: germline.
Comment: This sequence change replaces arginine, which is basic and polar, with histidine, which is basic and polar, at codon 920 of the CNTN1 protein (p.Arg920His). This variant is present in population databases (rs761797408, gnomAD 0.008%). This variant has not been reported in the literature in individuals affected with CNTN1-related conditions. ClinVar contains an entry for this variant (Variation ID: 1438886). Invitae Evidence Modeling of protein sequence and biophysical properties (such as structural, functional, and spatial information, amino acid conservation, physicochemical variation, residue mobility, and thermodynamic stability) indicates that this missense variant is not expected to disrupt CNTN1 protein function with a negative predictive value of 95%. In summary, the available evidence is currently insufficient to determine the role of this variant in disease. Therefore, it has been classified as a Variant of Uncertain Significance.

Ambry Genetics
Classification: Uncertain significance for Inborn genetic diseases. Last evaluated: 2025-03-08. Review status: criteria provided, single submitter. Criteria: Ambry Variant Classification Scheme 2023. Collection method: clinical testing. Allele origin: germline.

NM_001843.4(CNTN1):c.2759G>A (p.Arg920His)

Gene: CNTN1 (contactin 1; plus strand). Cytogenetic location: 12q12.
Variant type: single nucleotide variant.
Coding change: c.2759G>A on transcript NM_001843.4 (MANE Select); coding-DNA position 2759, G replaced by A.
Protein change: p.Arg920His; replaces arginine 920 with histidine.
Molecular consequence: missense variant.
Genome position (GRCh38, 1-based): chr12:41,027,905, G>A. VCF-style: chr12-41027905-G-A. GRCh37 (hg19) VCF-style: chr12-41421707-G-A.
Other names: c.2759G>A (NM_001843.2); c.2726G>A, p.Arg909His (NM_175038.2); short protein forms R909H, R920H.
Identifiers: ClinVar variation 1438886 (VCV001438886.5), dbSNP rs761797408, ClinGen allele CA6517227.